The following is an entry in ClinVar:

ClinVar aggregate classification (germline): Pathogenic (1 of 4 stars; one submission).

Conditions:
Autosomal recessive hypohidrotic ectodermal dysplasia syndrome. Also called: Autosomal recessive hypohidrotic ectodermal dysplasia. Identifiers: Orphanet 248, MedGen C0406702, MONDO:0016619.
Ectodermal dysplasia 10A, hypohidrotic/hair/nail type, autosomal dominant (ECTD10A). Also called: Ectodermal Dysplasia 3, Anhidrotic. Identifiers: Orphanet 1810, Orphanet 238468, MedGen C3888065, MONDO:0007509, OMIM 129490.

Submission:

Labcorp Genetics (formerly Invitae), Labcorp
Classification: Pathogenic for Ectodermal dysplasia 10A, hypohidrotic/hair/nail type, autosomal dominant; Autosomal recessive hypohidrotic ectodermal dysplasia syndrome. Last evaluated: 2023-04-22. Review status: criteria provided, single submitter. Criteria: Invitae Variant Classification Sherloc (09022015). Collection method: clinical testing. Allele origin: germline.
Comment: This sequence change creates a premature translational stop signal (p.Met391Hisfs*9) in the EDAR gene. While this is not anticipated to result in nonsense mediated decay, it is expected to disrupt the last 58 amino acid(s) of the EDAR protein. For these reasons, this variant has been classified as Pathogenic. This variant disrupts a region of the EDAR protein in which other variant(s) (p.Phe398*) have been determined to be pathogenic (PMID: 23401279, 24641098). This suggests that this is a clinically significant region of the protein, and that variants that disrupt it are likely to be disease-causing. ClinVar contains an entry for this variant (Variation ID: 579211). This premature translational stop signal has been observed in individual(s) with clinical features of ectodermal dysplasia (Invitae). This variant is not present in population databases (gnomAD no frequency).

Literature cited by the submitters: PubMed 23401279; PubMed 24641098.

NM_022336.4(EDAR):c.1169dup (p.Met391fs)

Genes: EDAR (ectodysplasin A receptor; minus strand), RANBP2 (RAN binding protein 2; plus strand). Cytogenetic location: 2q13.
Variant type: Duplication.
Coding change: c.1169dup on transcript NM_022336.4 (MANE Select); coding-DNA position 1169, one base duplicated (G; older notation c.1169dupG).
Protein change: p.Met391fs; shifts the reading frame from methionine 391.
Molecular consequence: frameshift variant.
Genome position (GRCh38, 1-based): chr2:108,897,085, C duplicated on the plus strand (G on the coding strand, the reverse complement: EDAR is on the minus strand); the first of 5 consecutive C bases (chr2:108,897,085-108,897,089); duplicating any one gives the same sequence. VCF-style (leftmost placement, unchanged base first): chr2-108897084-G-GC. GRCh37 (hg19) VCF-style: chr2-109513540-G-GC.
Other names: c.1169dupG (NM_022336.3); short protein forms M391fs.
Identifiers: ClinVar variation 579211 (VCV000579211.10), dbSNP rs1558793621, ClinGen allele CA891842934.
Genomic context (GRCh38, chr2:108,897,084, plus strand): 5'-CTCAGGGATGCTGTAGCCTGCCGTGCTGATGCGGTCAAAGAGTTGCATGCCGTCTGTCAT[G>GC]CCCCCAATCTCATCCCTCTTCAGGCCGAAGCTCTCGGCGAGGTGGCGCCACGTTTTCACA-3'